The following is an entry in ClinVar:

NM_001127222.2(CACNA1A):c.1991T>A (p.Leu664Gln)

Gene: CACNA1A (calcium voltage-gated channel subunit alpha1 A; minus strand). Cytogenetic location: 19p13.13.
Variant type: single nucleotide variant.
Coding change: c.1991T>A on transcript NM_001127222.2 (MANE Select); coding-DNA position 1991, T replaced by A.
Protein change: p.Leu664Gln; replaces leucine 664 with glutamine.
Molecular consequence: missense variant.
Genome position (GRCh38, 1-based): chr19:13,303,880, A>T on the plus strand (T>A on the coding strand, the complement: CACNA1A is on the minus strand). VCF-style: chr19-13303880-A-T. GRCh37 (hg19) VCF-style: chr19-13414694-A-T.
Other names: c.1994T>A, p.Leu665Gln (NM_000068.4, NM_001127221.2, NM_001174080.2 and 1 more transcripts); short protein forms L664Q, L665Q.
Identifiers: ClinVar variation 4755612 (VCV004755612.1).

ClinVar aggregate classification (germline): Uncertain significance (1 of 4 stars; one submission).

Submission:

GeneDx
Classification: Uncertain significance. Last evaluated: 2025-08-07. Review status: criteria provided, single submitter. Criteria: GeneDx Variant Classification Process June 2021. Collection method: clinical testing. Allele origin: germline. Affected: yes.
Comment: Not observed at significant frequency in large population cohorts (gnomAD); In silico analysis supports that this missense variant has a deleterious effect on protein structure/function; Has not been previously published as pathogenic or benign to our knowledge